The following is an entry in ClinVar:

ClinVar aggregate classification (germline): Conflicting classifications of pathogenicity. Review status: criteria provided, conflicting classifications (1 of 4 stars). 7 submissions from 7 submitters: Likely pathogenic (5); Uncertain significance (2). Last evaluated 2025-09-12.

Conditions:
Succinate-semialdehyde dehydrogenase deficiency (SSADHD). Also called: Succinic Semialdehyde Dehydrogenase Deficiency; GABA METABOLIC DEFECT; SSADH DEFICIENCY; 4-HYDROXYBUTYRIC ACIDURIA. Identifiers: Orphanet 22, MedGen C0268631, MONDO:0010083, OMIM 271980.

Allele frequency attached by ClinVar (database versions not stated): TOPMed below 0.00001; gnomAD 0.00001; gnomAD exomes 0.00002 and 0.00008; ExAC 0.00006.
gnomAD v4.1: 25 of 1,613,974 alleles (0.0015%); highest among the groups gnomAD compares: East Asian, 0.038%; no homozygotes.

Submissions (7):

Division of Genetic & Genomic Pathology, Hong Kong Children's Hospital
Classification: Likely pathogenic for Succinate-semialdehyde dehydrogenase deficiency. Last evaluated: 2025-09-12. Review status: criteria provided, single submitter. Criteria: ACMG Guidelines, 2015. Collection method: clinical testing. Allele origin: germline. Affected: yes.
Comment: The ALDH5A1 c.515G>A variant is located in exon 3 (out of 10 exons) of the ALDH5A1 gene, and results in a missense p.(Arg172His) change. This variant is present in population controls at a low frequency with the highest allele frequency in East Asian (gnomAD v4.1.0: total 25 heterozygotes in 1,613,974 alleles, East Asian 17/44888). This variant has been reported in ClinVar with both likely pathogenic (3) and uncertain significance (2) classifications (VCV000356130.11). Prediction by REVEL suggests that this variant is deleterious at a supporting level (0.746). This variant has been reported in compound heterozygous state or homozygous state in patients with ALDH5A1-related diseases (PMID: 32348839, 32907636, 38499966, 38862963). For these reasons, the ALDH5A1 c.515G>A p.(Arg172His) variant is classified as likely pathogenic.

Laboratory of Metabolic Disorders, Peking University First Hospital
Classification: Likely pathogenic for Succinate-semialdehyde dehydrogenase deficiency. Last evaluated: 2023-06-24. Review status: criteria provided, single submitter. Criteria: ACMG Guidelines, 2015. Collection method: clinical testing. Allele origin: inherited. Affected: yes.

Labcorp Genetics (formerly Invitae), Labcorp
Classification: Uncertain significance for Succinate-semialdehyde dehydrogenase deficiency. Last evaluated: 2022-08-03. Review status: criteria provided, single submitter. Criteria: Invitae Variant Classification Sherloc (09022015). Collection method: clinical testing. Allele origin: germline.
Comment: This sequence change replaces arginine, which is basic and polar, with histidine, which is basic and polar, at codon 172 of the ALDH5A1 protein (p.Arg172His). This variant is present in population databases (rs773814880, gnomAD 0.1%). This missense change has been observed in individual(s) with clinical features of ALDH5A1-related conditions (PMID: 32005694, 32348839, 32907636). ClinVar contains an entry for this variant (Variation ID: 356130). Advanced modeling of protein sequence and biophysical properties (such as structural, functional, and spatial information, amino acid conservation, physicochemical variation, residue mobility, and thermodynamic stability) performed at Invitae indicates that this missense variant is expected to disrupt ALDH5A1 protein function. In summary, the available evidence is currently insufficient to determine the role of this variant in disease. Therefore, it has been classified as a Variant of Uncertain Significance.

Elsea Laboratory, Baylor College of Medicine
Classification: Likely pathogenic for Succinate-semialdehyde dehydrogenase deficiency. Last evaluated: 2021-03-08. Review status: criteria provided, single submitter. Criteria: Martin et al. (J Child Neurol. 2021). Collection method: curation. Allele origin: germline. Affected: yes.

The Molecular Genetic and Pathologic Diagnosis Center of Neuromuscular Disorder, Children's Hospital of Fudan University
Classification: Likely pathogenic for Succinate-semialdehyde dehydrogenase deficiency. Last evaluated: 2019-12-01. Review status: criteria provided, single submitter. Criteria: ACMG Guidelines, 2015. Collection method: clinical testing. Allele origin: germline. Affected: yes.

Illumina Laboratory Services, Illumina
Classification: Uncertain significance for Succinate-semialdehyde dehydrogenase deficiency. Last evaluated: 2018-01-13. Review status: criteria provided, single submitter. Criteria: ICSL Variant Classification Criteria 13 December 2019. Collection method: clinical testing. Allele origin: germline.

Juno Genomics, Hangzhou Juno Genomics, Inc
Classification: Likely pathogenic for Succinate-semialdehyde dehydrogenase deficiency. Review status: criteria provided, single submitter. Criteria: ACMG Guidelines, 2015. Collection method: clinical testing. Allele origin: germline.
Comment: Absent from controls (or at extremely low frequency if recessive) in Genome Aggregation Database.;Multiple lines of computational evidence support a deleterious effect on the gene or gene product.;For recessive disorders, detected in trans with a pathogenic variant.;Patient's phenotype or family history is highly specific for a disease with a single genetic etiology.

Literature cited by the submitters: PubMed 32348839 (cited by 3 submitters); PubMed 32907636 (cited by 3 submitters); PubMed 38499966 (cited by Division of Genetic & Genomic Pathology, Hong Kong Children's Hospital); PubMed 38862963 (cited by Division of Genetic & Genomic Pathology, Hong Kong Children's Hospital); PubMed 32005694 (cited by Labcorp Genetics (formerly Invitae), Labcorp).

NM_001080.3(ALDH5A1):c.515G>A (p.Arg172His)

Gene: ALDH5A1 (aldehyde dehydrogenase 5 family member A1; plus strand). Cytogenetic location: 6p22.3.
Variant type: single nucleotide variant.
Coding change: c.515G>A on transcript NM_001080.3 (MANE Select); coding-DNA position 515, G replaced by A.
Protein change: p.Arg172His; replaces arginine 172 with histidine.
Molecular consequence: missense variant.
Genome position (GRCh38, 1-based): chr6:24,503,339, G>A. VCF-style: chr6-24503339-G-A. GRCh37 (hg19) VCF-style: chr6-24503567-G-A.
Other names: c.515G>A, p.Arg172His (NM_001368954.1, NM_170740.1); short protein forms R172H.
Identifiers: ClinVar variation 356130 (VCV000356130.15), dbSNP rs773814880, ClinGen allele CA3656641.